The following is an entry in ClinVar:

ClinVar aggregate classification (germline): Pathogenic (1 of 4 stars; one submission).

Submission:

GeneDx
Classification: Pathogenic. Last evaluated: 2017-05-01. Review status: criteria provided, single submitter. Criteria: GeneDx Variant Classification (06012015). Collection method: clinical testing. Allele origin: germline. Affected: yes.
Comment: The c.417dupT variant in the EHMT1 gene has not been reported previously as a pathogenic variant nor as a benign variant, to our knowledge. It is not observed in large population cohorts (Lek et al., 2016; 1000 Genomes Consortium et al., 2015; Exome Variant Server). The c.417dupT variant causes a frameshift starting with codon Threonine 140, changes this amino acid to a Tyrosine residue, and creates a premature Stop codon at position 46 of the new reading frame, denoted p.Thr140TyrfsX46. This variant is predicted to cause loss of normal protein function either through protein truncation or nonsense-mediated mRNA decay.

NM_024757.5(EHMT1):c.417dup (p.Thr140fs)

Gene: EHMT1 (euchromatic histone lysine methyltransferase 1; plus strand). Cytogenetic location: 9q34.3.
Variant type: Duplication.
Coding change: c.417dup on transcript NM_024757.5 (MANE Select); coding-DNA position 417, one base duplicated (T; older notation c.417dupT).
Protein change: p.Thr140fs; shifts the reading frame from threonine 140.
Molecular consequence: frameshift variant.
Genome position (GRCh38, 1-based): chr9:137,716,957, T duplicated. VCF-style (leftmost placement, unchanged base first): chr9-137716956-C-CT. GRCh37 (hg19) VCF-style: chr9-140611408-C-CT.
Other names: c.417dup, p.Thr140fs (NM_001145527.2, NM_001354263.2, NM_001354611.2); c.324dup, p.Thr109fs (NM_001354259.2, NM_001354612.2); c.417dupT (NM_024757.4); short protein forms T140fs, T109fs.
Identifiers: ClinVar variation 429991 (VCV000429991.2), dbSNP rs1131691715, ClinGen allele CA645369463.